The following is an entry in ClinVar:

NM_003321.5(TUFM):c.*24C>T

Gene: TUFM (Tu translation elongation factor, mitochondrial; minus strand). Cytogenetic location: 16p11.2.
Variant type: single nucleotide variant.
Coding change: c.*24C>T on transcript NM_003321.5 (MANE Select); 24 bases downstream of the stop codon, C replaced by T.
Molecular consequence: 3 prime UTR variant.
Genome position (GRCh38, 1-based): chr16:28,842,951, G>A on the plus strand (C>T on the coding strand, the complement: TUFM is on the minus strand). VCF-style: chr16-28842951-G-A. GRCh37 (hg19) VCF-style: chr16-28854272-G-A.
Other names: c.*24C>T (NM_001365360.2).
Identifiers: ClinVar variation 318742 (VCV000318742.9), dbSNP rs8754, ClinGen allele CA7985332.

ClinVar aggregate classification (germline): Benign. Review status: criteria provided, multiple submitters, no conflicts (2 of 4 stars). 3 submissions from 3 submitters: Benign (3). Last evaluated 2018-07-15.

Conditions:
Combined oxidative phosphorylation defect type 4. Identifiers: Orphanet 254925, MedGen C1857682, MONDO:0012534, OMIM 610678.

Allele frequency attached by ClinVar (database versions not stated): gnomAD exomes 0.00230 and 0.00635; ExAC 0.00794; gnomAD 0.02484 and 0.02648; 1000 Genomes Project 0.02716; ESP Exome Variant Server 0.02755; TOPMed 0.02851; 1000 Genomes Project 30x 0.02889.
gnomAD v4.1: 7,348 of 1,613,506 alleles (0.46%); highest among the groups gnomAD compares: African/African-American, 8.7%; 316 homozygotes.

Submissions (3):

GeneDx
Classification: Benign. Last evaluated: 2018-07-15. Review status: criteria provided, single submitter. Criteria: GeneDx Variant Classification Process June 2021. Collection method: clinical testing. Allele origin: germline. Affected: yes.

Illumina Laboratory Services, Illumina
Classification: Benign for Combined oxidative phosphorylation defect type 4. Last evaluated: 2018-01-13. Review status: criteria provided, single submitter. Criteria: ICSL Variant Classification Criteria 13 December 2019. Collection method: clinical testing. Allele origin: germline.
Comment: This variant was observed in the ICSL laboratory as part of a predisposition screen in an ostensibly healthy population. It had not been previously curated by ICSL or reported in the Human Gene Mutation Database (HGMD: prior to June 1st, 2018), and was therefore a candidate for classification through an automated scoring system. Utilizing variant allele frequency, disease prevalence and penetrance estimates, and inheritance mode, an automated score was calculated to assess if this variant is too frequent to cause the disease. Based on the score and internal cut-off values, a variant classified as benign is not then subjected to further curation. The score for this variant resulted in a classification of benign for this disease.

Breakthrough Genomics
Classification: Benign. Review status: criteria provided, single submitter. Criteria: ACMG Guidelines, 2015. Collection method: not provided. Allele origin: germline. Inheritance: Autosomal recessive inheritance. Affected: yes.